The following is an entry in ClinVar:

NM_152703.5(SAMD9L):c.782T>C (p.Ile261Thr)

Gene: SAMD9L (sterile alpha motif domain containing 9 like; minus strand). Cytogenetic location: 7q21.2.
Variant type: single nucleotide variant.
Coding change: c.782T>C on transcript NM_152703.5 (MANE Select); coding-DNA position 782, T replaced by C.
Protein change: p.Ile261Thr; replaces isoleucine 261 with threonine.
Molecular consequence: missense variant.
Genome position (GRCh38, 1-based): chr7:93,135,190, A>G on the plus strand (T>C on the coding strand, the complement: SAMD9L is on the minus strand). VCF-style: chr7-93135190-A-G. GRCh37 (hg19) VCF-style: chr7-92764503-A-G.
Other names: p.Ile261Thr; c.782T>C (NM_152703.2); c.782T>C, p.Ile261Thr (NM_001303496.3, NM_001303497.3, NM_001303498.3 and 5 more transcripts); short protein forms I261T.
Identifiers: ClinVar variation 3379778 (VCV003379778.3).
Genomic context (GRCh38, chr7:93,135,190, plus strand): 5'-TTGGCTTCATTGATCTCACTTTCTTCAAAATACTTTTTGATCATTACATTGAAGTGGTCA[A>G]TGAAGGCAGCCTTACTGGTGATTTTCACACCAACAATTTCTCCATGGGGTTTGTCCTTGA-3'
Protein context (NP_689916.2, residues 251-271): GVKITSKAAF[Ile261Thr]DHFNVMIKKY

ClinVar aggregate classification (germline): Uncertain significance. Review status: criteria provided, multiple submitters, no conflicts (2 of 4 stars). 3 submissions from 3 submitters: Uncertain significance (3). Last evaluated 2025-09-21.

Conditions:
Inborn genetic diseases. Identifiers: MedGen C0950123, MeSH D030342.

Submissions (3):

Ambry Genetics
Classification: Uncertain significance for Inborn genetic diseases. Last evaluated: 2025-09-21. Review status: criteria provided, single submitter. Criteria: Ambry Variant Classification Scheme 2023. Collection method: clinical testing. Allele origin: germline.
Comment: The p.I261T variant (also known as c.782T>C), located in coding exon 1 of the SAMD9L gene, results from a T to C substitution at nucleotide position 782. The isoleucine at codon 261 is replaced by threonine, an amino acid with similar properties. This amino acid position is conserved. In addition, this alteration is predicted to be tolerated by in silico analysis. Based on the available evidence, the clinical significance of this variant remains unclear.

Labcorp Genetics (formerly Invitae), Labcorp
Classification: Uncertain significance. Last evaluated: 2025-07-22. Review status: criteria provided, single submitter. Criteria: Invitae Variant Classification Sherloc (09022015). Collection method: clinical testing. Allele origin: germline.
Comment: This sequence change replaces isoleucine, which is neutral and non-polar, with threonine, which is neutral and polar, at codon 261 of the SAMD9L protein (p.Ile261Thr). This variant is not present in population databases (gnomAD no frequency). This variant has not been reported in the literature in individuals affected with SAMD9L-related conditions. ClinVar contains an entry for this variant (Variation ID: 3379778). An algorithm developed to predict the effect of missense changes on protein structure and function (PolyPhen-2) suggests that this variant is likely to be tolerated. In summary, the available evidence is currently insufficient to determine the role of this variant in disease. Therefore, it has been classified as a Variant of Uncertain Significance.

Mayo Clinic Laboratories, Mayo Clinic
Classification: Uncertain significance. Last evaluated: 2024-05-21. Review status: criteria provided, single submitter. Criteria: ACMG Guidelines, 2015. Collection method: clinical testing. Allele origin: germline. Observed: 1 variant allele.
Comment: BP4